The following is an entry in ClinVar:

NC_000022.10:g.(?_51065065)_(51065595_?)del

Gene: ARSA (arylsulfatase A; minus strand). Cytogenetic location: 22q13.33.
Variant type: Deletion.
Identifiers: ClinVar variation 1455014 (VCV001455014.5).

ClinVar aggregate classification (germline): Pathogenic (1 of 4 stars; one submission).

Conditions:
Metachromatic leukodystrophy (MLD). Also called: ARSA DEFICIENCY; CEREBROSIDE SULFATASE DEFICIENCY; SULFATIDE LIPIDOSIS; METACHROMATIC LEUKOENCEPHALOPATHY; Arylsulfatase A Deficiency; Cerebral sclerosis diffuse metachromatic form. Identifiers: Orphanet 512, MedGen C0023522, MONDO:0018868, OMIM 250100.

Submission:

Labcorp Genetics (formerly Invitae), Labcorp
Classification: Pathogenic for Metachromatic leukodystrophy. Last evaluated: 2022-01-07. Review status: criteria provided, single submitter. Criteria: Invitae Variant Classification Sherloc (09022015). Collection method: clinical testing. Allele origin: germline.
Comment: This variant results in the deletion of exon 3 and part of exons 2 and 4 (c.464_808del) of the ARSA gene. This variant would be expected to be in-frame, preserving the integrity of the reading frame. This variant has not been reported in the literature in individuals affected with ARSA-related conditions. For these reasons, this variant has been classified as Pathogenic. This variant disrupts a region of the ARSA protein in which other variant(s) (p.Asp257His) have been determined to be pathogenic (PMID: 8982952, 10477432, 12445909). This suggests that this is a clinically significant region of the protein, and that variants that disrupt it are likely to be disease-causing.

Literature cited by the submitters: PubMed 8982952; PubMed 10477432; PubMed 12445909.